The following is an entry in ClinVar:

NM_006914.4(RORB):c.793C>A (p.Gln265Lys)

Gene: RORB (RAR related orphan receptor B; plus strand). Cytogenetic location: 9q21.13.
Variant type: single nucleotide variant.
Coding change: c.793C>A on transcript NM_006914.4 (MANE Select); coding-DNA position 793, C replaced by A.
Protein change: p.Gln265Lys; replaces glutamine 265 with lysine.
Molecular consequence: missense variant.
Genome position (GRCh38, 1-based): chr9:74,662,507, C>A. VCF-style: chr9-74662507-C-A. GRCh37 (hg19) VCF-style: chr9-77277423-C-A.
Other names: c.826C>A, p.Gln276Lys (NM_001365023.1); short protein forms Q265K, Q276K.
Identifiers: ClinVar variation 4694998 (VCV004694998.1).

ClinVar aggregate classification (germline): Uncertain significance (1 of 4 stars; one submission).

gnomAD v4.1: 2 of 1,613,996 alleles (0.00012%); highest among the groups gnomAD compares: Admixed American, 0.0017%; no homozygotes.

Submission:

Labcorp Genetics (formerly Invitae), Labcorp
Classification: Uncertain significance. Last evaluated: 2025-07-30. Review status: criteria provided, single submitter. Criteria: Invitae Variant Classification Sherloc (09022015). Collection method: clinical testing. Allele origin: germline.
Comment: This sequence change replaces glutamine, which is neutral and polar, with lysine, which is basic and polar, at codon 265 of the RORB protein (p.Gln265Lys). This variant is not present in population databases (gnomAD no frequency). This variant has not been reported in the literature in individuals affected with RORB-related conditions. An algorithm developed to predict the effect of missense changes on protein structure and function (PolyPhen-2) suggests that this variant is likely to be tolerated. In summary, the available evidence is currently insufficient to determine the role of this variant in disease. Therefore, it has been classified as a Variant of Uncertain Significance.